The following is an entry in ClinVar:

NM_006297.3(XRCC1):c.1556C>T (p.Thr519Met)

Gene: XRCC1 (X-ray repair cross complementing 1; minus strand). Cytogenetic location: 19q13.31.
Variant type: single nucleotide variant.
Coding change: c.1556C>T on transcript NM_006297.3 (MANE Select); coding-DNA position 1556, C replaced by T.
Protein change: p.Thr519Met; replaces threonine 519 with methionine.
Molecular consequence: missense variant.
Genome position (GRCh38, 1-based): chr19:43,545,883, G>A on the plus strand (C>T on the coding strand, the complement: XRCC1 is on the minus strand). VCF-style: chr19-43545883-G-A. GRCh37 (hg19) VCF-style: chr19-44050035-G-A.
Other names: short protein forms T519M.
Identifiers: ClinVar variation 3388673 (VCV003388673.14).

ClinVar aggregate classification (germline): Uncertain significance (1 of 4 stars; one submission).

gnomAD v4.1: 25 of 1,613,840 alleles (0.0015%); highest among the groups gnomAD compares: Non-Finnish European, 0.002%; no homozygotes.

Submission:

CeGaT Center for Human Genetics Tuebingen
Classification: Uncertain significance. Last evaluated: 2024-11-01. Review status: criteria provided, single submitter. Criteria: CeGaT Center For Human Genetics Tuebingen Variant Classification Criteria Version 2. Collection method: clinical testing. Allele origin: germline. Affected: yes. Observed: 1 variant allele.
Comment: XRCC1: PM2